The following is an entry in ClinVar:

NM_001080467.3(MYO5B):c.529A>G (p.Met177Val)

Gene: MYO5B (myosin VB; minus strand). Cytogenetic location: 18q21.1.
Variant type: single nucleotide variant.
Coding change: c.529A>G on transcript NM_001080467.3 (MANE Select); coding-DNA position 529, A replaced by G.
Protein change: p.Met177Val; replaces methionine 177 with valine.
Molecular consequence: missense variant.
Genome position (GRCh38, 1-based): chr18:50,001,338, T>C on the plus strand (A>G on the coding strand, the complement: MYO5B is on the minus strand). VCF-style: chr18-50001338-T-C. GRCh37 (hg19) VCF-style: chr18-47527708-T-C.
Other names: short protein forms M177V.
Identifiers: ClinVar variation 1904262 (VCV001904262.4), dbSNP rs2026045033, ClinGen allele CA402439925.
Genomic context (GRCh38, chr18:50,001,338, plus strand): 5'-GCACCTTCTCTTCGATGTTGGTTTCACTGGCCGAGCCACCAACGGTGGCGAAATAGCGCA[T>C]GGCATACTTGGCTGATACCGTCTTCCCGGCTCCAGACTCCCCACTGACTATGATGGACTG-3'
Protein context (NP_001073936.1, residues 167-187): AGKTVSAKYA[Met177Val]RYFATVGGSA

ClinVar aggregate classification (germline): Uncertain significance (1 of 4 stars; one submission).

Allele frequency attached by ClinVar (database versions not stated): gnomAD exomes below 0.00001; TOPMed 0.00001.

Submission:

Labcorp Genetics (formerly Invitae), Labcorp
Classification: Uncertain significance. Last evaluated: 2022-08-12. Review status: criteria provided, single submitter. Criteria: Invitae Variant Classification Sherloc (09022015). Collection method: clinical testing. Allele origin: germline.
Comment: This sequence change replaces methionine, which is neutral and non-polar, with valine, which is neutral and non-polar, at codon 177 of the MYO5B protein (p.Met177Val). This variant has not been reported in the literature in individuals affected with MYO5B-related conditions. In summary, the available evidence is currently insufficient to determine the role of this variant in disease. Therefore, it has been classified as a Variant of Uncertain Significance. This variant is not present in population databases (gnomAD no frequency). Algorithms developed to predict the effect of missense changes on protein structure and function are either unavailable or do not agree on the potential impact of this missense change (SIFT: "Deleterious"; PolyPhen-2: "Probably Damaging"; Align-GVGD: "Class C0").